The following is an entry in ClinVar:

ClinVar aggregate classification (germline): Conflicting classifications of pathogenicity. Review status: criteria provided, conflicting classifications (1 of 4 stars). 4 submissions from 4 submitters: Likely pathogenic (1); Uncertain significance (2). 1 of the submissions does not count toward it. Last evaluated 2025-09-11.

Conditions:
3-methylcrotonyl-CoA carboxylase 1 deficiency (MCC1D). Also called: MCCD TYPE 1; METHYLCROTONYLGLYCINURIA TYPE I; MCC 1 deficiency; 3 Alpha methylcrotonylglycinuria 1. Identifiers: Orphanet 6, MedGen CN028786, MONDO:0008861, OMIM 210200.

Allele frequency attached by ClinVar (database versions not stated): gnomAD exomes below 0.00001 and 0.00001; gnomAD 0.00001; ExAC 0.00002; ESP Exome Variant Server 0.00008.
gnomAD v4.1: 13 of 1,614,024 alleles (0.00081%); highest among the groups gnomAD compares: South Asian, 0.0022%; no homozygotes.

Submissions (4):

GeneDx
Classification: Uncertain significance. Last evaluated: 2025-09-11. Review status: criteria provided, single submitter. Criteria: GeneDx Variant Classification Process June 2021. Collection method: clinical testing. Allele origin: germline. Affected: yes.
Comment: Reported as a single heterozygous variant in an individual with MCC deficiency; detailed clinical information not provided (Tolve et al., 2016); In silico analysis supports that this missense variant has a deleterious effect on protein structure/function; Not observed at a significant frequency in large population cohorts (gnomAD)

Labcorp Genetics (formerly Invitae), Labcorp
Classification: Likely pathogenic for 3-methylcrotonyl-CoA carboxylase 1 deficiency. Last evaluated: 2025-08-14. Review status: criteria provided, single submitter. Criteria: Invitae Variant Classification Sherloc (09022015). Collection method: clinical testing. Allele origin: germline.
Comment: This sequence change replaces arginine, which is basic and polar, with cysteine, which is neutral and slightly polar, at codon 444 of the MCCC1 protein (p.Arg444Cys). This variant is present in population databases (rs375996272, gnomAD 0.004%). This missense change has been observed in individual(s) with a positive newborn screening result for MCCC1-related disease (PMID: 38284445). ClinVar contains an entry for this variant (Variation ID: 429421). Invitae Evidence Modeling of protein sequence and biophysical properties (such as structural, functional, and spatial information, amino acid conservation, physicochemical variation, residue mobility, and thermodynamic stability) indicates that this missense variant is expected to disrupt MCCC1 protein function with a positive predictive value of 95%. This variant disrupts the p.Arg444 amino acid residue in MCCC1. Other variant(s) that disrupt this residue have been determined to be pathogenic (PMID: 25382614, 26566957). This suggests that this residue is clinically significant, and that variants that disrupt this residue are likely to be disease-causing. In summary, the currently available evidence indicates that the variant is pathogenic, but additional data are needed to prove that conclusively. Therefore, this variant has been classified as Likely Pathogenic.

Women's Health and Genetics/Laboratory Corporation of America, LabCorp
Classification: Uncertain significance. Last evaluated: 2025-06-20. Review status: criteria provided, single submitter. Criteria: LabCorp Variant Classification Summary - May 2015. Collection method: clinical testing. Allele origin: germline.
Comment: Variant summary: MCCC1 c.1330C>T (p.Arg444Cys) results in a non-conservative amino acid change in the encoded protein sequence. Algorithms developed to predict the effect of missense changes on protein structure and function all suggest that this variant is likely to be disruptive. The variant allele was found at a frequency of 4e-06 in 251422 control chromosomes. The available data on variant occurrences in the general population are insufficient to allow any conclusion about variant significance. c.1330C>T has been observed at a heterozygous state in one individual affected with increased C5OH during a newborn screening (Cao_2024). These report(s) do not provide unequivocal conclusions about association of the variant with Methylcrotonyl-CoA Carboxylase Deficiency. A different variant affecting the same codon has been classified as likely pathogenic by our lab (c.1331G>A, p.Arg444His), supporting the critical relevance of codon 444 to MCCC1 protein function. To our knowledge, no experimental evidence demonstrating an impact on protein function has been reported. The following publication has been ascertained in the context of this evaluation (PMID: 38284445). ClinVar contains an entry for this variant (Variation ID: 429421). Based on the evidence outlined above, the variant was classified as uncertain significance.

Natera, Inc.
Classification: Uncertain significance for 3-methylcrotonyl-CoA carboxylase 1 deficiency. Last evaluated: 2020-08-13. Review status: no assertion criteria provided. Collection method: clinical testing. Allele origin: germline. Not counted in ClinVar's aggregate classification.

Literature cited by the submitters: PubMed 38284445 (cited by Labcorp Genetics (formerly Invitae), Labcorp and Women's Health and Genetics/Laboratory Corporation of America, LabCorp); PubMed 25382614 (cited by Labcorp Genetics (formerly Invitae), Labcorp); PubMed 26566957 (cited by Labcorp Genetics (formerly Invitae), Labcorp).

NM_020166.5(MCCC1):c.1330C>T (p.Arg444Cys)

Gene: MCCC1 (methylcrotonyl-CoA carboxylase subunit 1; minus strand). Cytogenetic location: 3q27.1.
Variant type: single nucleotide variant.
Coding change: c.1330C>T on transcript NM_020166.5 (MANE Select); coding-DNA position 1330, C replaced by T.
Protein change: p.Arg444Cys; replaces arginine 444 with cysteine.
Molecular consequence: missense variant. On other transcripts: non-coding transcript variant (2).
Genome position (GRCh38, 1-based): chr3:183,039,073, G>A on the plus strand (C>T on the coding strand, the complement: MCCC1 is on the minus strand). VCF-style: chr3-183039073-G-A. GRCh37 (hg19) VCF-style: chr3-182756861-G-A.
Other names: c.979C>T, p.Arg327Cys (NM_001293273.2); c.1003C>T, p.Arg335Cys (NM_001363880.1); c.1330C>T (NM_020166.4); short protein forms R444C, R335C, R327C.
Identifiers: ClinVar variation 429421 (VCV000429421.12), dbSNP rs375996272, ClinGen allele CA2718811.
Genomic context (GRCh38, chr3:183,039,073, plus strand): 5'-TCAGATCACTCACATTGTACTGACGAAGGCTGTACCTCAGTTTTGTCAATGCCGCCTGGC[G>A]ATCTGCTGCCCACACGACCAGCTTCGCAATCATGGGGTCATAATGCACGGAAACTTCGTC-3'
Protein context (NP_064551.3, residues 434-454): IAKLVVWAAD[Arg444Cys]QAALTKLRYS